The following is an entry in ClinVar:

NM_000016.6(ACADM):c.1130G>C (p.Gly377Ala)

Gene: ACADM (acyl-CoA dehydrogenase medium chain; plus strand). Cytogenetic location: 1p31.1.
Variant type: single nucleotide variant.
Coding change: c.1130G>C on transcript NM_000016.6 (MANE Select); coding-DNA position 1130, G replaced by C.
Protein change: p.Gly377Ala; replaces glycine 377 with alanine.
Molecular consequence: missense variant.
Genome position (GRCh38, 1-based): chr1:75,761,306, G>C. VCF-style: chr1-75761306-G-C. GRCh37 (hg19) VCF-style: chr1-76226991-G-C.
Other names: p.Gly377Ala; c.1142G>C, p.Gly381Ala (NM_001127328.3); c.1022G>C, p.Gly341Ala (NM_001286042.2); c.1229G>C, p.Gly410Ala (NM_001286043.2); c.563G>C, p.Gly188Ala (NM_001286044.2); short protein forms G188A, G410A, G377A, G341A, G381A.
Identifiers: ClinVar variation 4541268 (VCV004541268.1).

ClinVar aggregate classification (germline): Uncertain significance (1 of 4 stars; one submission).

gnomAD v4.1: 2 of 1,613,972 alleles (0.00012%); highest among the groups gnomAD compares: Admixed American, 0.0033%; no homozygotes.

Submission:

Mayo Clinic Laboratories, Mayo Clinic
Classification: Uncertain significance. Last evaluated: 2025-12-12. Review status: criteria provided, single submitter. Criteria: ACMG Guidelines, 2015. Collection method: clinical testing. Allele origin: germline. Observed: 1 variant allele.
Comment: PP3_strong, PM2_supporting